The following is an entry in ClinVar:

ClinVar aggregate classification (germline): Likely pathogenic (1 of 4 stars; one submission).

gnomAD v4.1: 261 of 1,614,090 alleles (0.016%); highest among the groups gnomAD compares: Non-Finnish European, 0.021%; no homozygotes.

Submission:

GeneDx
Classification: Likely pathogenic. Last evaluated: 2025-03-02. Review status: criteria provided, single submitter. Criteria: GeneDx Variant Classification Process June 2021. Collection method: clinical testing. Allele origin: germline. Affected: yes.
Comment: Nonsense variant predicted to result in protein truncation, as the last 78 amino acid(s) are lost, and other loss-of-function variants have been reported downstream in HGMD; This variant is associated with the following publications: (PMID: 38413582)

NM_005701.4(SNUPN):c.848C>G (p.Ser283Ter)

Gene: SNUPN (snurportin 1; minus strand). Cytogenetic location: 15q24.2.
Variant type: single nucleotide variant.
Coding change: c.848C>G on transcript NM_005701.4 (MANE Select); coding-DNA position 848, C replaced by G.
Protein change: p.Ser283Ter; replaces serine 283 with a stop codon.
Molecular consequence: nonsense.
Genome position (GRCh38, 1-based): chr15:75,598,593, G>C on the plus strand (C>G on the coding strand, the complement: SNUPN is on the minus strand). VCF-style: chr15-75598593-G-C. GRCh37 (hg19) VCF-style: chr15-75890934-G-C.
Other names: c.848C>G, p.Ser283Ter (NM_001042581.2, NM_001042588.2); short protein forms S283*.
Identifiers: ClinVar variation 4082548 (VCV004082548.1).